The following is an entry in ClinVar:

NC_000019.9:g.(?_50919728)_(50920113_?)del

Gene: POLD1 (DNA polymerase delta 1, catalytic subunit; plus strand). Cytogenetic location: 19q13.33.
Variant type: Deletion.
Identifiers: ClinVar variation 1468684 (VCV001468684.4).

ClinVar aggregate classification (germline): Uncertain significance (1 of 4 stars; one submission).

Conditions:
POLD1-related polyposis and colorectal cancer syndrome (CRCS10). Also called: Colorectal cancer 10; COLORECTAL CANCER, SUSCEPTIBILITY TO, ON CHROMOSOME 19q; Colorectal cancer, susceptibility to, 10. Identifiers: Orphanet 220460, MedGen C2675481, MONDO:0012953, OMIM 612591.

Submission:

Labcorp Genetics (formerly Invitae), Labcorp
Classification: Uncertain significance for POLD1-related polyposis and colorectal cancer syndrome. Last evaluated: 2021-05-06. Review status: criteria provided, single submitter. Criteria: Invitae Variant Classification Sherloc (09022015). Collection method: clinical testing. Allele origin: germline.
Comment: Missense variants that disrupt the 3'-5' exonuclease (proof-reading) activity of the POLD1 protein are associated with an increased risk for colonic adenomatous polyps and colon cancer (PMID: 23263490, 23447401). However, loss-of-function variants which result in an absent or severely disrupted POLD1 protein, and missense variants outside the exonuclease domain, are unlikely to be associated with polyposis or colon cancer. Without further clinical and genetic evidence, this variant has been classified as a Variant of Uncertain Significance. This variant has not been reported in the literature in individuals with POLD1-related conditions. This variant results in the deletion of exon 24 and part of exon 23 (c.2900_3067+137del) of the POLD1 gene. It is expected to disrupt RNA splicing.

Literature cited by the submitters: PubMed 23263490; PubMed 23447401.